The following is an entry in ClinVar:

NM_000535.7(PMS2):c.2078A>G (p.Glu693Gly)

Gene: PMS2 (PMS1 homolog 2, mismatch repair system component; minus strand). Cytogenetic location: 7p22.1.
Variant type: single nucleotide variant.
Coding change: c.2078A>G on transcript NM_000535.7 (MANE Select); coding-DNA position 2078, A replaced by G.
Protein change: p.Glu693Gly; replaces glutamic acid 693 with glycine.
Molecular consequence: missense variant. On other transcripts: non-coding transcript variant (1), intron variant (4).
Genome position (GRCh38, 1-based): chr7:5,982,920, T>C on the plus strand (A>G on the coding strand, the complement: PMS2 is on the minus strand). VCF-style: chr7-5982920-T-C. GRCh37 (hg19) VCF-style: chr7-6022551-T-C.
Other names: c.1673A>G, p.Glu558Gly (NM_001406899.1, NM_001018040.1, NM_001322003.2 and 15 more transcripts); c.1613A>G, p.Glu538Gly (NM_001406900.1); c.1604A>G, p.Glu535Gly (NM_001406901.1, NM_001406902.1); c.1565A>G, p.Glu522Gly (NM_001406904.1, NM_001406905.1); c.1517A>G, p.Glu506Gly (NM_001406906.1, NM_001406907.1, NM_001322010.2); c.1505A>G, p.Glu502Gly (NM_001406909.1, NM_001322013.2); c.1307A>G, p.Glu436Gly (NM_001406911.1); c.875A>G, p.Glu292Gly (NM_001406912.1); and 16 more; short protein forms E522G, E585G, E641G, E701G, E292G, E382G, E502G, E637G.
Identifiers: ClinVar variation 2597457 (VCV002597457.2), dbSNP rs2535543654, ClinGen allele CA366738047.

ClinVar aggregate classification (germline): Uncertain significance (1 of 4 stars; one submission).

Conditions:
Hereditary cancer-predisposing syndrome. Also called: Tumor predisposition; Hereditary Cancer Syndrome; Hereditary neoplastic syndrome; Neoplastic Syndromes, Hereditary. Identifiers: Orphanet 140162, MedGen C0027672, MeSH D009386, MONDO:0015356.

Submission:

Ambry Genetics
Classification: Uncertain significance for Hereditary cancer-predisposing syndrome. Last evaluated: 2023-08-24. Review status: criteria provided, single submitter. Criteria: Ambry Variant Classification Scheme 2023. Collection method: clinical testing. Allele origin: germline.
Comment: The p.E693G variant (also known as c.2078A>G), located in coding exon 12 of the PMS2 gene, results from an A to G substitution at nucleotide position 2078. The glutamic acid at codon 693 is replaced by glycine, an amino acid with similar properties. This amino acid position is conserved. In addition, this alteration is predicted to be tolerated by in silico analysis. Since supporting evidence is limited at this time, the clinical significance of this alteration remains unclear.